The following is an entry in ClinVar:

NM_001282933.2(ZNF341):c.1903G>A (p.Asp635Asn)

Genes: ZNF341 (zinc finger protein 341; plus strand), ZNF341-AS1 (ZNF341 antisense RNA 1; minus strand). Cytogenetic location: 20q11.22.
Variant type: single nucleotide variant.
Coding change: c.1903G>A on transcript NM_001282933.2 (MANE Select); coding-DNA position 1903, G replaced by A.
Protein change: p.Asp635Asn; replaces aspartic acid 635 with asparagine.
Molecular consequence: missense variant. On other transcripts: non-coding transcript variant (1).
Genome position (GRCh38, 1-based): chr20:33,788,913, G>A. VCF-style: chr20-33788913-G-A. GRCh37 (hg19) VCF-style: chr20-32376719-G-A.
Other names: c.1633G>A, p.Asp545Asn (NM_001282935.2); c.1882G>A, p.Asp628Asn (NM_032819.5); c.1882G>A (NM_032819.3); short protein forms D635N, D545N, D628N.
Identifiers: ClinVar variation 1480000 (VCV001480000.6), dbSNP rs1021283308, ClinGen allele CA313310701.

ClinVar aggregate classification (germline): Uncertain significance. Review status: criteria provided, multiple submitters, no conflicts (2 of 4 stars). 2 submissions from 2 submitters: Uncertain significance (2). Last evaluated 2025-07-02.

Allele frequency attached by ClinVar (database versions not stated): gnomAD exomes 0.00001; TOPMed 0.00003.
gnomAD v4.1: 11 of 1,614,020 alleles (0.00068%); highest among the groups gnomAD compares: Non-Finnish European, 0.00093%; no homozygotes.

Submissions (2):

Ambry Genetics
Classification: Uncertain significance. Last evaluated: 2025-07-02. Review status: criteria provided, single submitter. Criteria: Ambry Variant Classification Scheme 2023. Collection method: clinical testing. Allele origin: germline.

Labcorp Genetics (formerly Invitae), Labcorp
Classification: Uncertain significance. Last evaluated: 2022-08-21. Review status: criteria provided, single submitter. Criteria: Invitae Variant Classification Sherloc (09022015). Collection method: clinical testing. Allele origin: germline.
Comment: This sequence change replaces aspartic acid, which is acidic and polar, with asparagine, which is neutral and polar, at codon 628 of the ZNF341 protein (p.Asp628Asn). This variant is present in population databases (no rsID available, gnomAD 0.002%). This variant has not been reported in the literature in individuals affected with ZNF341-related conditions. ClinVar contains an entry for this variant (Variation ID: 1480000). Algorithms developed to predict the effect of missense changes on protein structure and function are either unavailable or do not agree on the potential impact of this missense change (SIFT: "Deleterious"; PolyPhen-2: "Probably Damaging"; Align-GVGD: "Class C0"). In summary, the available evidence is currently insufficient to determine the role of this variant in disease. Therefore, it has been classified as a Variant of Uncertain Significance.